The following is an entry in ClinVar:

NM_002691.4(POLD1):c.280dup (p.Leu94fs)

Gene: POLD1 (DNA polymerase delta 1, catalytic subunit; plus strand). Cytogenetic location: 19q13.33.
Variant type: Duplication.
Coding change: c.280dup on transcript NM_002691.4 (MANE Select); coding-DNA position 280, one base duplicated (C; older notation c.280dupC).
Protein change: p.Leu94fs; shifts the reading frame from leucine 94.
Molecular consequence: frameshift variant. On other transcripts: non-coding transcript variant (1).
Genome position (GRCh38, 1-based): chr19:50,399,448, C duplicated; the last of 4 consecutive C bases (chr19:50,399,445-50,399,448); duplicating any one gives the same sequence. VCF-style (leftmost placement, unchanged base first): chr19-50399444-G-GC. GRCh37 (hg19) VCF-style: chr19-50902701-G-GC.
Other names: c.280dup, p.Leu94fs (NM_001256849.1, NM_001308632.1); short protein forms L94fs.
Identifiers: ClinVar variation 3935573 (VCV003935573.1).

ClinVar aggregate classification (germline): Uncertain significance (1 of 4 stars; one submission).

Conditions:
Hereditary cancer-predisposing syndrome. Also called: Tumor predisposition; Hereditary neoplastic syndrome; Hereditary Cancer Syndrome; Neoplastic Syndromes, Hereditary. Identifiers: Orphanet 140162, MedGen C0027672, MeSH D009386, MONDO:0015356.

Submission:

Ambry Genetics
Classification: Uncertain significance for Hereditary cancer-predisposing syndrome. Last evaluated: 2025-05-13. Review status: criteria provided, single submitter. Criteria: Ambry Variant Classification Scheme 2023. Collection method: clinical testing. Allele origin: germline.
Comment: The c.280dupC variant, located in coding exon 2 of the POLD1 gene, results from a duplication of C at nucleotide position 280, causing a translational frameshift with a predicted alternate stop codon (p.L94Pfs*9). This alteration is expected to result in protein truncation or nonsense-mediated mRNA decay. However, loss of function of POLD1 has not been established as a mechanism of disease. Based on the available evidence, the clinical significance of this alteration remains unclear.